The following is an entry in ClinVar:

ClinVar aggregate classification (germline): Uncertain significance (1 of 4 stars; one submission).

Conditions:
Catecholaminergic polymorphic ventricular tachycardia 1. Also called: VENTRICULAR TACHYCARDIA, CATECHOLAMINERGIC POLYMORPHIC, 1, WITH OR WITHOUT ATRIAL DYSFUNCTION AND/OR DILATED CARDIOMYOPATHY; RYR2-Related Catecholaminergic Polymorphic Ventricular Tachycardia; VENTRICULAR TACHYCARDIA, STRESS-INDUCED POLYMORPHIC 1. Identifiers: Orphanet 3286, MedGen C1631597, MONDO:0011484, OMIM 604772.

Submission:

Labcorp Genetics (formerly Invitae), Labcorp
Classification: Uncertain significance for Catecholaminergic polymorphic ventricular tachycardia 1. Last evaluated: 2020-12-23. Review status: criteria provided, single submitter. Criteria: Invitae Variant Classification Sherloc (09022015). Collection method: clinical testing. Allele origin: germline.
Comment: In summary, the available evidence is currently insufficient to determine the role of this variant in disease. Therefore, it has been classified as a Variant of Uncertain Significance. This variant has not been reported in the literature in individuals with TRDN-related conditions. This variant is not present in population databases (ExAC no frequency). This sequence change creates a premature translational stop signal (p.Ile534Phefs*2) in the TRDN gene. It is expected to result in an absent or disrupted protein product. This variant occurs in the long isoform of TRDN, also known as Trisk-95 (PMID: 19403623). The current clinical and genetic evidence is not sufficient to establish whether loss-of-function variants in the long isoform of TRDN cause disease.

Literature cited by the submitters: PubMed 19403623.

NM_006073.4(TRDN):c.1600_1602delinsT (p.Ile534fs)

Gene: TRDN (triadin; minus strand). Cytogenetic location: 6q22.31.
Variant type: Indel.
Coding change: c.1600_1602delinsT on transcript NM_006073.4 (MANE Select); coding-DNA positions 1600 to 1602, ATA replaced by T.
Protein change: p.Ile534fs; shifts the reading frame from isoleucine 534.
Molecular consequence: frameshift variant.
Genome position (GRCh38, 1-based): chr6:123,273,359-123,273,361, TAT replaced by A on the plus strand (ATA replaced by T on the coding strand, the reverse complement: TRDN is on the minus strand). VCF-style: chr6-123273359-TAT-A. GRCh37 (hg19) VCF-style: chr6-123594504-TAT-A.
Other names: short protein forms I534fs.
Identifiers: ClinVar variation 966841 (VCV000966841.7), dbSNP rs1777268262, ClinGen allele CA1139659795.
Genomic context (GRCh38, chr6:123,273,359, plus strand): 5'-AAGAAAGTCTAAGCATAAAAGATAAAATTAATACATACTGTGTATTTGCACTTTTTCAGA[TAT>A]AGCTAAAATAAATAAATAACATATTAGATTAAATTACCTGCAAAATGGAGTATTTAACAA-3'